The following is an entry in ClinVar:

NM_030662.4(MAP2K2):c.81G>T (p.Glu27Asp)

Genes: MAP2K2 (mitogen-activated protein kinase kinase 2; minus strand), LOC130063193 (ATAC-STARR-seq lymphoblastoid silent region 9881; plus strand). Cytogenetic location: 19p13.3.
Variant type: single nucleotide variant.
Coding change: c.81G>T on transcript NM_030662.4 (MANE Select); coding-DNA position 81, G replaced by T.
Protein change: p.Glu27Asp; replaces glutamic acid 27 with aspartic acid.
Molecular consequence: missense variant.
Genome position (GRCh38, 1-based): chr19:4,123,795, C>A on the plus strand (G>T on the coding strand, the complement: MAP2K2 is on the minus strand). VCF-style: chr19-4123795-C-A. GRCh37 (hg19) VCF-style: chr19-4123792-C-A.
Other names: short protein forms E27D.
Identifiers: ClinVar variation 3636807 (VCV003636807.2).

ClinVar aggregate classification (germline): Uncertain significance (1 of 4 stars; one submission).

Conditions:
RASopathy. Also called: Noonan spectrum disorder; rasopathies. Identifiers: Orphanet 536391, MedGen C5555857, MONDO:0021060.

Submission:

Labcorp Genetics (formerly Invitae), Labcorp
Classification: Uncertain significance for RASopathy. Last evaluated: 2024-11-24. Review status: criteria provided, single submitter. Criteria: Invitae Variant Classification Sherloc (09022015). Collection method: clinical testing. Allele origin: germline.
Comment: This sequence change replaces glutamic acid, which is acidic and polar, with aspartic acid, which is acidic and polar, at codon 27 of the MAP2K2 protein (p.Glu27Asp). This variant is not present in population databases (gnomAD no frequency). This variant has not been reported in the literature in individuals affected with MAP2K2-related conditions. An algorithm developed to predict the effect of missense changes on protein structure and function outputs the following: PolyPhen-2: "Benign". The aspartic acid amino acid residue is found in multiple mammalian species, which suggests that this missense change does not adversely affect protein function. In summary, the available evidence is currently insufficient to determine the role of this variant in disease. Therefore, it has been classified as a Variant of Uncertain Significance.